The following is an entry in ClinVar:

NM_001127208.3(TET2):c.2112T>A (p.Asn704Lys)

Genes: TET2 (tet methylcytosine dioxygenase 2; plus strand), TET2-AS1 (TET2 antisense RNA 1; minus strand). Cytogenetic location: 4q24.
Variant type: single nucleotide variant.
Coding change: c.2112T>A on transcript NM_001127208.3 (MANE Select); coding-DNA position 2112, T replaced by A.
Protein change: p.Asn704Lys; replaces asparagine 704 with lysine.
Molecular consequence: missense variant.
Genome position (GRCh38, 1-based): chr4:105,236,054, T>A. VCF-style: chr4-105236054-T-A. GRCh37 (hg19) VCF-style: chr4-106157211-T-A.
Other names: c.2112T>A, p.Asn704Lys (NM_017628.4); short protein forms N704K.
Identifiers: ClinVar variation 3806096 (VCV003806096.1).

ClinVar aggregate classification (germline): Uncertain significance (1 of 4 stars; one submission).

Submission:

Ambry Genetics
Classification: Uncertain significance. Last evaluated: 2025-02-28. Review status: criteria provided, single submitter. Criteria: Ambry Variant Classification Scheme 2023. Collection method: clinical testing. Allele origin: germline.
Comment: The p.N704K variant (also known as c.2112T>A), located in coding exon 1 of the TET2 gene, results from a T to A substitution at nucleotide position 2112. The asparagine at codon 704 is replaced by lysine, an amino acid with similar properties. This amino acid position is conserved. In addition, this alteration is predicted to be tolerated by in silico analysis. Based on the available evidence, the clinical significance of this variant remains unclear.